The following is an entry in ClinVar:

NM_003709.4(KLF7):c.161T>G (p.Phe54Cys)

Gene: KLF7 (KLF transcription factor 7; minus strand). Cytogenetic location: 2q33.3.
Variant type: single nucleotide variant.
Coding change: c.161T>G on transcript NM_003709.4 (MANE Select); coding-DNA position 161, T replaced by G.
Protein change: p.Phe54Cys; replaces phenylalanine 54 with cysteine.
Molecular consequence: missense variant. On other transcripts: non-coding transcript variant (1).
Genome position (GRCh38, 1-based): chr2:207,124,346, A>C on the plus strand (T>G on the coding strand, the complement: KLF7 is on the minus strand). VCF-style: chr2-207124346-A-C. GRCh37 (hg19) VCF-style: chr2-207989070-A-C.
Other names: c.161T>G, p.Phe54Cys (NM_001270942.1); c.62T>G, p.Phe21Cys (NM_001270943.2); c.77T>G, p.Phe26Cys (NM_001270944.2); short protein forms F21C, F26C, F54C.
Identifiers: ClinVar variation 1708646 (VCV001708646.2), dbSNP rs2469212526, ClinGen allele CA350158139.

ClinVar aggregate classification (germline): Uncertain significance (1 of 4 stars; one submission).

Submission:

GeneDx
Classification: Uncertain significance. Last evaluated: 2022-02-24. Review status: criteria provided, single submitter. Criteria: GeneDx Variant Classification Process June 2021. Collection method: clinical testing. Allele origin: germline. Affected: yes.
Comment: Not observed at significant frequency in large population cohorts (gnomAD); In silico analysis supports that this missense variant has a deleterious effect on protein structure/function; Has not been previously published as pathogenic or benign to our knowledge; Variants in candidate genes are classified as variants of uncertain significance in accordance with ACMG guidelines (Richards et al., 2015)